The following is an entry in ClinVar:

ClinVar aggregate classification (germline): Uncertain significance (1 of 4 stars; one submission).

Allele frequency attached by ClinVar (database versions not stated): ExAC 0.00002; gnomAD exomes 0.00002; TOPMed 0.00002.
gnomAD v4.1: 34 of 1,613,976 alleles (0.0021%); highest among the groups gnomAD compares: South Asian, 0.0099%; no homozygotes.

Submission:

Center for Genomics, Ann and Robert H. Lurie Children's Hospital of Chicago
Classification: Uncertain significance. Last evaluated: 2021-03-30. Review status: criteria provided, single submitter. Criteria: ACMG Guidelines, 2015. Collection method: clinical testing. Allele origin: germline.
Comment: CSF2RA NM_172246 exon 11 p.Ala356Ala (c.1068G>A): This variant has not been reported in the literature but is present in 1/111418 European alleles in the Genome Aggregation Database. Evolutionary conservation and computational predictive tools for this variant are limited or unavailable. Of note, this variant is a silent variant and does not change the amino acid, reducing the probability that this variant is disease causing. In summary, data on this variant is insufficient for disease classification. Therefore, the clinical significance of this variant is uncertain.

NM_172245.4(CSF2RA):c.*44G>A

Gene: CSF2RA (colony stimulating factor 2 receptor subunit alpha; plus strand). Cytogenetic location: Xp22.33.
Variant type: single nucleotide variant.
Coding change: c.*44G>A on transcript NM_172245.4 (MANE Select); 44 bases downstream of the stop codon, G replaced by A.
Molecular consequence: 3 prime UTR variant. On other transcripts: synonymous variant (1), non-coding transcript variant (1), intron variant (6).
Genome position (GRCh38, 1-based): chrX:1,309,523, G>A. VCF-style: chrX-1309523-G-A. GRCh37 (hg19) VCF-style: chrX-1428416-G-A.
Other names: c.*44G>A (NM_001161529.2, NM_001161530.2, NM_001161532.2 and 8 more transcripts); c.*148G>A (NM_001379167.1, NM_001379168.1, NM_001379169.1 and 2 more transcripts); c.1068G>A, p.Ala356= (NM_172246.4); c.1125+3996G>A (NM_001379163.1, NM_001379162.1, NM_001379164.1 and 2 more transcripts); c.1126-2746G>A (NM_001379159.1).
Identifiers: ClinVar variation 2501726 (VCV002501726.1), dbSNP rs781308302, ClinGen allele CA10331303.